The following is an entry in ClinVar:

ClinVar aggregate classification (germline): Uncertain significance (1 of 4 stars; one submission).

Submission:

GeneDx
Classification: Uncertain significance. Last evaluated: 2022-05-03. Review status: criteria provided, single submitter. Criteria: GeneDx Variant Classification Process June 2021. Collection method: clinical testing. Allele origin: germline. Affected: yes.
Comment: Not observed at significant frequency in large population cohorts (gnomAD); In silico analysis supports that this missense variant does not alter protein structure/function; Has not been previously published as pathogenic or benign to our knowledge

NM_014727.3(KMT2B):c.3068T>C (p.Ile1023Thr)

Gene: KMT2B (lysine methyltransferase 2B; plus strand). Cytogenetic location: 19q13.12.
Variant type: single nucleotide variant.
Coding change: c.3068T>C on transcript NM_014727.3 (MANE Select); coding-DNA position 3068, T replaced by C.
Protein change: p.Ile1023Thr; replaces isoleucine 1023 with threonine.
Molecular consequence: missense variant.
Genome position (GRCh38, 1-based): chr19:35,723,741, T>C. VCF-style: chr19-35723741-T-C. GRCh37 (hg19) VCF-style: chr19-36214642-T-C.
Other names: short protein forms I1023T.
Identifiers: ClinVar variation 1722775 (VCV001722775.2), dbSNP rs2513325242, ClinGen allele CA405403563.
Genomic context (GRCh38, chr19:35,723,741, plus strand): 5'-TCCCATGTCCCTGGCTGAGCTCAAATCCTACTAAGTCCCCTGTTCCCGCAGGCCGGACGA[T>C]AGTGAAGACGCTGTTGCCCTGGGATTCCGATGAATCTCCTGAGGCCTCCCCTGGTCCTCC-3'
Protein context (NP_055542.1, residues 1013-1033): MERLAKKGRT[Ile1023Thr]VKTLLPWDSD